The following is an entry in ClinVar:

NM_001164508.2(NEB):c.9808_9809delinsTCTTTATGTT (p.Ala3270fs)

Gene: NEB (nebulin; minus strand). Cytogenetic location: 2q23.3.
Variant type: Indel.
Coding change: c.9808_9809delinsTCTTTATGTT on transcript NM_001164508.2 (MANE Select); coding-DNA positions 9808 to 9809, GC replaced by TCTTTATGTT.
Protein change: p.Ala3270fs; shifts the reading frame from alanine 3270.
Molecular consequence: frameshift variant.
Genome position (GRCh38, 1-based): chr2:151,629,561-151,629,562, GC replaced by AACATAAAGA on the plus strand (GC replaced by TCTTTATGTT on the coding strand, the reverse complement: NEB is on the minus strand). VCF-style: chr2-151629561-GC-AACATAAAGA. GRCh37 (hg19) VCF-style: chr2-152486075-GC-AACATAAAGA.
Other names: c.9808_9809delinsTCTTTATGTT, p.Ala3270fs (NM_001271208.2, NM_001164507.2); c.9079_9080delinsTCTTTATGTT, p.Ala3027fs (NM_004543.5); short protein forms A3027fs, A3270fs.
Identifiers: ClinVar variation 1726898 (VCV001726898.2), dbSNP rs2552237527, ClinGen allele CA2580064117.

ClinVar aggregate classification (germline): Likely pathogenic (1 of 4 stars; one submission).

Conditions:
Nemaline myopathy 2 (NEM2). Also called: Nemaline myopathy 2, autosomal recessive. Identifiers: MedGen C1850569, MONDO:0009725, OMIM 256030.

Submission:

Myriad Genetics, Inc.
Classification: Likely pathogenic for Nemaline myopathy 2. Last evaluated: 2022-01-02. Review status: criteria provided, single submitter. Criteria: Myriad Women's Health Autosomal Recessive and X-Linked Classification Criteria (2021). Collection method: clinical testing. Allele origin: unknown.
Comment: NM_001271208.1(NEB):c.9808_9809del2ins10(A3270Sfs*37) is expected to be pathogenic in the context of NEB-related nemaline myopathy. This variant is predicted to lead to an abnormal or absent protein product due to the creation of a premature termination codon in NEB, a gene where loss-of-function variants are known to be pathogenic. Please note: this variant was assessed in the context of healthy population screening.